The following is an entry in ClinVar:

ClinVar aggregate classification (germline): Uncertain significance (1 of 4 stars; one submission).

Submission:

Labcorp Genetics (formerly Invitae), Labcorp
Classification: Uncertain significance. Last evaluated: 2024-02-24. Review status: criteria provided, single submitter. Criteria: Invitae Variant Classification Sherloc (09022015). Collection method: clinical testing. Allele origin: germline.
Comment: This sequence change replaces leucine with isoleucine at codon 1599 of the FN1 protein (p.Leu1599Ile). The leucine residue is moderately conserved and there is a small physicochemical difference between leucine and isoleucine. This variant is not present in population databases (gnomAD no frequency). This variant has not been reported in the literature in individuals affected with FN1-related conditions. ClinVar contains an entry for this variant (Variation ID: 1366459). Algorithms developed to predict the effect of missense changes on protein structure and function output the following: SIFT: "Not Available"; PolyPhen-2: "Benign"; Align-GVGD: "Not Available". The isoleucine amino acid residue is found in multiple mammalian species, which suggests that this missense change does not adversely affect protein function. In summary, the available evidence is currently insufficient to determine the role of this variant in disease. Therefore, it has been classified as a Variant of Uncertain Significance.

NM_212482.4(FN1):c.4795C>A (p.Leu1599Ile)

Gene: FN1 (fibronectin 1; minus strand). Cytogenetic location: 2q35.
Variant type: single nucleotide variant.
Coding change: c.4795C>A on transcript NM_212482.4 (MANE Select); coding-DNA position 4795, C replaced by A.
Protein change: p.Leu1599Ile; replaces leucine 1599 with isoleucine.
Molecular consequence: missense variant.
Genome position (GRCh38, 1-based): chr2:215,384,119, G>T on the plus strand (C>A on the coding strand, the complement: FN1 is on the minus strand). VCF-style: chr2-215384119-G-T. GRCh37 (hg19) VCF-style: chr2-216248842-G-T.
Other names: c.4795C>A, p.Leu1599Ile (NM_001306129.2, NM_001306130.2, NM_001365517.2 and 3 more transcripts); c.4522C>A, p.Leu1508Ile (NM_001306131.2, NM_001306132.2, NM_001365518.2 and 7 more transcripts); short protein forms L1508I, L1599I.
Identifiers: ClinVar variation 1366459 (VCV001366459.8), dbSNP rs2105965499, ClinGen allele CA350479230.